The following is an entry in ClinVar:

ClinVar aggregate classification (germline): Uncertain significance. Review status: criteria provided, multiple submitters, no conflicts (2 of 4 stars). 2 submissions from 2 submitters: Uncertain significance (2). Last evaluated 2023-12-01.

Conditions:
Hereditary cancer-predisposing syndrome. Also called: Hereditary Cancer Syndrome; Hereditary neoplastic syndrome; Neoplastic Syndromes, Hereditary; Tumor predisposition. Identifiers: Orphanet 140162, MedGen C0027672, MeSH D009386, MONDO:0015356.
Bloom syndrome (BLM). Also called: Bloom-Torre-Machacek syndrome. Identifiers: Orphanet 125, MedGen C0005859, MONDO:0008876, OMIM 210900.

Submissions (2):

Ambry Genetics
Classification: Uncertain significance for Hereditary cancer-predisposing syndrome. Last evaluated: 2023-12-01. Review status: criteria provided, single submitter. Criteria: Ambry Variant Classification Scheme 2023. Collection method: clinical testing. Allele origin: germline.
Comment: The p.D146G variant (also known as c.437A>G), located in coding exon 2 of the BLM gene, results from an A to G substitution at nucleotide position 437. The aspartic acid at codon 146 is replaced by glycine, an amino acid with similar properties. This amino acid position is well conserved in available vertebrate species. In addition, the in silico prediction for this alteration is inconclusive. Since supporting evidence is limited at this time, the clinical significance of this alteration remains unclear.

Labcorp Genetics (formerly Invitae), Labcorp
Classification: Uncertain significance for Bloom syndrome. Last evaluated: 2023-03-31. Review status: criteria provided, single submitter. Criteria: Invitae Variant Classification Sherloc (09022015). Collection method: clinical testing. Allele origin: germline.
Comment: This sequence change replaces aspartic acid, which is acidic and polar, with glycine, which is neutral and non-polar, at codon 146 of the BLM protein (p.Asp146Gly). In summary, the available evidence is currently insufficient to determine the role of this variant in disease. Therefore, it has been classified as a Variant of Uncertain Significance. An algorithm developed to predict the effect of missense changes on protein structure and function (PolyPhen-2) suggests that this variant is likely to be tolerated. ClinVar contains an entry for this variant (Variation ID: 1740135). This variant has not been reported in the literature in individuals affected with BLM-related conditions. This variant is not present in population databases (gnomAD no frequency).

NM_000057.4(BLM):c.437A>G (p.Asp146Gly)

Gene: BLM (BLM RecQ like helicase; plus strand). Cytogenetic location: 15q26.1.
Variant type: single nucleotide variant.
Coding change: c.437A>G on transcript NM_000057.4 (MANE Select); coding-DNA position 437, A replaced by G.
Protein change: p.Asp146Gly; replaces aspartic acid 146 with glycine.
Molecular consequence: missense variant. On other transcripts: 5 prime UTR variant (1).
Genome position (GRCh38, 1-based): chr15:90,749,705, A>G. VCF-style: chr15-90749705-A-G. GRCh37 (hg19) VCF-style: chr15-91292935-A-G.
Other names: c.437A>G, p.Asp146Gly (NM_001287246.2, NM_001287247.2); c.-855A>G (NM_001287248.2); short protein forms D146G.
Identifiers: ClinVar variation 1740135 (VCV001740135.7), dbSNP rs902876126, ClinGen allele CA393840719.